The following is an entry in ClinVar:

ClinVar aggregate classification (germline): Uncertain significance. Review status: criteria provided, multiple submitters, no conflicts (2 of 4 stars). 3 submissions from 3 submitters: Uncertain significance (3). Last evaluated 2025-08-30.

Conditions:
Inborn genetic diseases. Identifiers: MedGen C0950123, MeSH D030342.

Allele frequency attached by ClinVar (database versions not stated): TOPMed below 0.00001.
gnomAD v4.1: 1 of 1,613,632 alleles (0.000062%); highest among the groups gnomAD compares: Non-Finnish European, 0.000085%; no homozygotes.

Submissions (3):

Labcorp Genetics (formerly Invitae), Labcorp
Classification: Uncertain significance. Last evaluated: 2025-08-30. Review status: criteria provided, single submitter. Criteria: Invitae Variant Classification Sherloc (09022015). Collection method: clinical testing. Allele origin: germline.
Comment: This sequence change replaces leucine, which is neutral and non-polar, with valine, which is neutral and non-polar, at codon 645 of the SAMD9L protein (p.Leu645Val). This variant is not present in population databases (gnomAD no frequency). This variant has not been reported in the literature in individuals affected with SAMD9L-related conditions. ClinVar contains an entry for this variant (Variation ID: 2996690). Invitae Evidence Modeling of protein sequence and biophysical properties (such as structural, functional, and spatial information, amino acid conservation, physicochemical variation, residue mobility, and thermodynamic stability) indicates that this missense variant is not expected to disrupt SAMD9L protein function with a negative predictive value of 80%. In summary, the available evidence is currently insufficient to determine the role of this variant in disease. Therefore, it has been classified as a Variant of Uncertain Significance.

Ambry Genetics
Classification: Uncertain significance for Inborn genetic diseases. Last evaluated: 2024-11-22. Review status: criteria provided, single submitter. Criteria: Ambry Variant Classification Scheme 2023. Collection method: clinical testing. Allele origin: germline.
Comment: The p.L645V variant (also known as c.1933C>G), located in coding exon 1 of the SAMD9L gene, results from a C to G substitution at nucleotide position 1933. The leucine at codon 645 is replaced by valine, an amino acid with highly similar properties. This amino acid position is conserved. In addition, this alteration is predicted to be tolerated by in silico analysis. Based on the available evidence, the clinical significance of this variant remains unclear.

GeneDx
Classification: Uncertain significance. Last evaluated: 2023-10-30. Review status: criteria provided, single submitter. Criteria: GeneDx Variant Classification Process June 2021. Collection method: clinical testing. Allele origin: germline. Affected: yes.
Comment: Not observed at significant frequency in large population cohorts (gnomAD); In silico analysis supports that this missense variant does not alter protein structure/function; Has not been previously published as pathogenic or benign to our knowledge

NM_152703.5(SAMD9L):c.1933C>G (p.Leu645Val)

Gene: SAMD9L (sterile alpha motif domain containing 9 like; minus strand). Cytogenetic location: 7q21.2.
Variant type: single nucleotide variant.
Coding change: c.1933C>G on transcript NM_152703.5 (MANE Select); coding-DNA position 1933, C replaced by G.
Protein change: p.Leu645Val; replaces leucine 645 with valine.
Molecular consequence: missense variant.
Genome position (GRCh38, 1-based): chr7:93,134,039, G>C on the plus strand (C>G on the coding strand, the complement: SAMD9L is on the minus strand). VCF-style: chr7-93134039-G-C. GRCh37 (hg19) VCF-style: chr7-92763352-G-C.
Other names: c.1933C>G, p.Leu645Val (NM_001303496.3, NM_001303497.3, NM_001303498.3 and 5 more transcripts); c.1933C>G (NM_152703.3, NM_152703.2); short protein forms L645V.
Identifiers: ClinVar variation 2996690 (VCV002996690.5), dbSNP rs1049372208, ClinGen allele CA161962083.
Genomic context (GRCh38, chr7:93,134,039, plus strand): 5'-TACACTCATTTTCACAGAGGATTTCCAGTGCAGTCAAGACATCCTCTTTCTTTTTCTCTA[G>C]GATAACTGAAGAAGATCCACGGGCGGGCAAAAACCTTCTTGATGACCGAGTCACCGATTT-3'
Protein context (NP_689916.2, residues 635-655): LPARGSSSVI[Leu645Val]EKKKEDVLTA